The following is an entry in ClinVar:

NM_000346.4(SOX9):c.1320C>G (p.Tyr440Ter)

Gene: SOX9 (SRY-box transcription factor 9; plus strand). Cytogenetic location: 17q24.3.
Variant type: single nucleotide variant.
Coding change: c.1320C>G on transcript NM_000346.4 (MANE Select); coding-DNA position 1320, C replaced by G.
Protein change: p.Tyr440Ter; replaces tyrosine 440 with a stop codon.
Molecular consequence: nonsense.
Genome position (GRCh38, 1-based): chr17:72,124,177, C>G. VCF-style: chr17-72124177-C-G. GRCh37 (hg19) VCF-style: chr17-70120318-C-G.
Other names: short protein forms Y440*.
Identifiers: ClinVar variation 2510 (VCV000002510.10), dbSNP rs80338688, ClinGen allele CA115583.
Genomic context (GRCh38, chr17:72,124,177, plus strand): 5'-CAGCCCCTTCAACCTCCCACACTACAGCCCCTCCTACCCGCCCATCACCCGCTCACAGTA[C>G]GACTACACCGACCACCAGAACTCCAGCTCCTACTACAGCCACGCGGCAGGCCAGGGCACC-3'

ClinVar aggregate classification (germline): Pathogenic. Review status: criteria provided, multiple submitters, no conflicts (2 of 4 stars). 5 submissions from 5 submitters: Pathogenic (3). 2 of the submissions do not count toward it. Last evaluated 2025-04-30.

Conditions:
Connective tissue disorder. Also called: Connective tissue disease. Identifiers: MedGen C0009782, MONDO:0003900.
Camptomelic dysplasia (CMPD). Also called: CMPD1/SRA1; Campomelic Dysplasia. Identifiers: Orphanet 140, MedGen C1861922, MONDO:0007251, OMIM 114290.
CAMPOMELIC DYSPLASIA WITH AUTOSOMAL SEX REVERSAL. Identifiers: MedGen C1842462, OMIM 114290.

Submissions (5):

GeneDx
Classification: Pathogenic. Last evaluated: 2025-04-30. Review status: criteria provided, single submitter. Criteria: GeneDx Variant Classification Process June 2021. Collection method: clinical testing. Allele origin: germline. Affected: yes.
Comment: Nonsense variant predicted to result in protein truncation, as the last 70 amino acids are lost, and other loss-of-function variants have been reported downstream in HGMD; Not observed at significant frequency in large population cohorts (gnomAD); This variant is associated with the following publications: (PMID: 27065010, 9002675, 15806394, 36343245, 36584300, 34627339, 8001137)

ARUP Laboratories, Molecular Genetics and Genomics, ARUP Laboratories
Classification: Pathogenic. Last evaluated: 2024-02-21. Review status: criteria provided, single submitter. Criteria: ARUP Molecular Germline Variant Investigation Process 2024. Collection method: clinical testing. Allele origin: germline.
Comment: The SOX9 c.1320C>G; p.Tyr440Ter variant (rs80338688) is reported in the literature in individuals affected with campomelic dysplasia or suspected skeletal dysplasia (Hageman 1998, Meyer 1997, Pop 2005, Scocchia 2021), including an apparently de novo variant in one individual (Wagner 1994). This variant is also reported in ClinVar (Variation ID: 2510). This variant is absent from the Genome Aggregation Database (v2.1.1), indicating it is not a common polymorphism. Additionally, another variant at this nucleotide resulting in the same premature termination codon (c.1320C>A; p.Tyr440Ter) has been reported in individuals with campomelic dysplasia and is considered pathogenic (Pop 2005). Functional analyses of the variant protein demonstrate reduced but not eliminated transactivation activity (Au 2023, Pop 2005, Wagner 1994), suggesting this may be a hypomorphic variant with potential combined haploinsufficient and dominant-negative mechanisms. This variant results in a premature termination codon in the last exon of the SOX9 gene. While this may not lead to nonsense-mediated decay, it is expected to create a truncated protein. Based on available information, this variant is considered to be pathogenic. References: Au TYK et al. Hypomorphic and dominant-negative impact of truncated SOX9 dysregulates Hedgehog-Wnt signaling, causing campomelia. Proc Natl Acad Sci U S A. 2023 Jan 3;120(1):e2208623119. PMID: 36584300. Hageman RM et al. Mutation analysis of the SOX9 gene in a patient with campomelic dysplasia. Hum Mutat. 1998;Suppl 1:S112-3. PMID: 9452058. Meyer J et al. Mutational analysis of the SOX9 gene in campomelic dysplasia and autosomal sex reversal: lack of genotype/phenotype correlations. Hum Mol Genet. 1997 Jan;6(1):91-8. PMID: 9002675. Pop R et al. A homozygous nonsense mutation in SOX9 in the dominant disorder campomelic dysplasia: a case of mitotic gene conversion. Hum Genet. 2005 Jun;117(1):43-53. PMID: 15806394. Scocchia A et al. Diagnostic utility of next-generation sequencing-based panel testing in 543 patients with suspected skeletal dysplasia. Orphanet J Rare Dis. 2021 Oct 9;16(1):412. PMID: 34627339. Wagner T et al. Autosomal sex reversal and campomelic dysplasia are caused by mutations in and around the SRY-related gene SOX9. Cell. 1994 Dec 16;79(6):1111-20. PMID: 8001137.

Genome Diagnostics Laboratory, The Hospital for Sick Children
Classification: Pathogenic for Connective tissue disorder. Last evaluated: 2020-03-01. Review status: criteria provided, single submitter. Criteria: ACMG Guidelines, 2015. Collection method: clinical testing. Allele origin: germline.

OMIM
Classification: Pathogenic for CAMPOMELIC DYSPLASIA WITH AUTOSOMAL SEX REVERSAL. Last evaluated: 2005-06-01. Review status: no assertion criteria provided. Collection method: literature only. Allele origin: unknown. Not counted in ClinVar's aggregate classification.

GeneReviews
No classification provided. Condition: Camptomelic dysplasia. Review status: no classification provided. Collection method: literature only. Allele origin: unknown. Not counted in ClinVar's aggregate classification.

Literature cited by the submitters: PubMed 8001137 (cited by OMIM and GeneReviews); PubMed 1809232 (cited by OMIM and GeneReviews); PubMed 9002675 (cited by OMIM and GeneReviews); PubMed 15806394 (cited by OMIM and GeneReviews); PubMed 20301724 (cited by GeneReviews); NCBI Bookshelf NBK1760 (cited by GeneReviews).